The following is an entry in ClinVar:

NM_001018115.3(FANCD2):c.2566A>G (p.Thr856Ala)

Genes: FANCD2 (FA complementation group D2; plus strand), LOC107303338 (3p25 FANCD2 Alu-mediated recombination region; plus strand). Cytogenetic location: 3p25.3.
Variant type: single nucleotide variant.
Coding change: c.2566A>G on transcript NM_001018115.3 (MANE Select); coding-DNA position 2566, A replaced by G.
Protein change: p.Thr856Ala; replaces threonine 856 with alanine.
Molecular consequence: missense variant.
Genome position (GRCh38, 1-based): chr3:10,072,942, A>G. VCF-style: chr3-10072942-A-G. GRCh37 (hg19) VCF-style: chr3-10114626-A-G.
Other names: c.2566A>G, p.Thr856Ala (NM_001319984.2, NM_001374254.1, NM_033084.6); c.2455A>G, p.Thr819Ala (NM_001374253.1); short protein forms T819A, T856A.
Identifiers: ClinVar variation 1336840 (VCV001336840.5), dbSNP rs145586834, ClinGen allele CA2250121.

ClinVar aggregate classification (germline): Uncertain significance. Review status: criteria provided, multiple submitters, no conflicts (2 of 4 stars). 2 submissions from 2 submitters: Uncertain significance (2). Last evaluated 2024-01-01.

Conditions:
Fanconi anemia complementation group D2. Also called: FANCONI PANCYTOPENIA, TYPE 4; FANCONI ANEMIA, COMPLEMENTATION GROUP D; FANCD2-Related Fanconi Anemia. Identifiers: Orphanet 84, MedGen C3160738, MONDO:0009214, OMIM 227646.

Allele frequency attached by ClinVar (database versions not stated): gnomAD exomes below 0.00001 and 0.00001; ExAC 0.00001; ESP Exome Variant Server 0.00008.

Submissions (2):

Daryl Scott Lab, Baylor College of Medicine
Classification: Uncertain significance for Fanconi anemia complementation group D2. Last evaluated: 2024-01-01. Review status: criteria provided, single submitter. Criteria: ACMG Guidelines, 2015. Collection method: clinical testing. Allele origin: biparental. Observed: 1 homozygote.
Comment: PM2

Genetic Services Laboratory, University of Chicago
Classification: Uncertain significance. Last evaluated: 2018-09-11. Review status: criteria provided, single submitter. Criteria: ACMG Guidelines, 2015. Collection method: clinical testing. Allele origin: germline. Affected: no.